The following is an entry in ClinVar:

NM_001164508.2(NEB):c.20364_20365del (p.Ser6788fs)

Gene: NEB (nebulin; minus strand). Cytogenetic location: 2q23.3.
Variant type: Deletion.
Coding change: c.20364_20365del on transcript NM_001164508.2 (MANE Select); coding-DNA positions 20364 to 20365, 2 bases deleted (TG; older notation c.20364_20365delTG).
Protein change: p.Ser6788fs; shifts the reading frame from serine 6788.
Molecular consequence: frameshift variant.
Genome position (GRCh38, 1-based): chr2:151,547,431-151,547,432, CA deleted on the plus strand (TG on the coding strand, the reverse complement: NEB is on the minus strand); deleting any 2 consecutive bases within chr2:151,547,431-151,547,433 gives the same sequence; the c. name uses the placement nearest the transcript's 3' end. VCF-style (leftmost placement, unchanged base first): chr2-151547430-TCA-T. GRCh37 (hg19) VCF-style: chr2-152403944-TCA-T.
Other names: c.20364_20365del, p.Ser6788fs (NM_001164507.2, NM_001271208.2); c.15261_15262del, p.Ser5087fs (NM_004543.5); short protein forms S5087fs, S6788fs.
Identifiers: ClinVar variation 1725045 (VCV001725045.2), dbSNP rs2552178657, ClinGen allele CA2580063879.

ClinVar aggregate classification (germline): Likely pathogenic (1 of 4 stars; one submission).

Conditions:
Nemaline myopathy 2 (NEM2). Also called: Nemaline myopathy 2, autosomal recessive. Identifiers: MedGen C1850569, MONDO:0009725, OMIM 256030.

Submission:

Myriad Genetics, Inc.
Classification: Likely pathogenic for Nemaline myopathy 2. Last evaluated: 2022-03-06. Review status: criteria provided, single submitter. Criteria: Myriad Women's Health Autosomal Recessive and X-Linked Classification Criteria (2021). Collection method: clinical testing. Allele origin: unknown.
Comment: NM_001271208.1(NEB):c.20364_20365delTG(S6788Rfs*3) is expected to be pathogenic in the context of NEB-related nemaline myopathy. This variant is predicted to lead to an abnormal or absent protein product due to the creation of a premature termination codon in NEB, a gene where loss-of-function variants are known to be pathogenic. Please note: this variant was assessed in the context of healthy population screening.